The following is an entry in ClinVar:

ClinVar aggregate classification (germline): Pathogenic/Likely pathogenic. Review status: criteria provided, multiple submitters, no conflicts (2 of 4 stars). 2 submissions from 2 submitters: Pathogenic (1); Likely pathogenic (1). Last evaluated 2025-05-30.

Conditions:
Glycogen storage disease type III (GSD3). Also called: Cori disease; FORBES DISEASE. Identifiers: Orphanet 366, MedGen C0017922, MONDO:0009291, OMIM 232400.

Submissions (2):

Labcorp Genetics (formerly Invitae), Labcorp
Classification: Pathogenic for Glycogen storage disease type III. Last evaluated: 2025-05-30. Review status: criteria provided, single submitter. Criteria: Invitae Variant Classification Sherloc (09022015). Collection method: clinical testing. Allele origin: germline.
Comment: This sequence change creates a premature translational stop signal (p.Ser648Phefs*7) in the AGL gene. It is expected to result in an absent or disrupted protein product. Loss-of-function variants in AGL are known to be pathogenic (PMID: 19299494). This variant is not present in population databases (gnomAD no frequency). This variant has not been reported in the literature in individuals affected with AGL-related conditions. ClinVar contains an entry for this variant (Variation ID: 1075561). For these reasons, this variant has been classified as Pathogenic.

Baylor Genetics
Classification: Likely pathogenic for Glycogen storage disease type III. Last evaluated: 2023-05-10. Review status: criteria provided, single submitter. Criteria: ACMG Guidelines, 2015. Collection method: clinical testing. Allele origin: unknown.

Literature cited by the submitters: PubMed 19299494 (cited by Labcorp Genetics (formerly Invitae), Labcorp).

NM_000642.3(AGL):c.1942dup (p.Ser648fs)

Gene: AGL (amylo-alpha-1,6-glucosidase and 4-alpha-glucanotransferase; plus strand). Cytogenetic location: 1p21.2.
Variant type: Duplication.
Coding change: c.1942dup on transcript NM_000642.3 (MANE Select); coding-DNA position 1942, one base duplicated (T; older notation c.1942dupT).
Protein change: p.Ser648fs; shifts the reading frame from serine 648.
Molecular consequence: frameshift variant.
Genome position (GRCh38, 1-based): chr1:99,881,118, T duplicated; the last of 3 consecutive T bases (chr1:99,881,116-99,881,118); duplicating any one gives the same sequence. VCF-style (leftmost placement, unchanged base first): chr1-99881115-G-GT. GRCh37 (hg19) VCF-style: chr1-100346671-G-GT.
Other names: c.1942dup (NM_000642.2); c.1942dup, p.Ser648Phefs (NM_000028.3, NM_000643.3, NM_000644.3 and 2 more transcripts); c.1894dup, p.Ser632Phefs (NM_000646.3); c.1741dup, p.Ser581Phefs (NM_001425327.1); c.1738dup, p.Ser580Phefs (NM_001425328.1, NM_001425329.1); c.1564dup, p.Ser522Phefs (NM_001425332.1); short protein forms S632fs, S648fs.
Identifiers: ClinVar variation 1075561 (VCV001075561.8), dbSNP rs2100758555, ClinGen allele CA2499214932.